The following is an entry in ClinVar:

ClinVar aggregate classification (germline): Benign (1 of 4 stars; one submission).

Submission:

Unidad de Genómica Garrahan, Hospital de Pediatría Garrahan
Classification: Benign. Last evaluated: 2023-11-14. Review status: criteria provided, single submitter. Criteria: ACMG Guidelines, 2015. Collection method: clinical testing. Allele origin: germline. Affected: no. Observed: 29 variant alleles.
Comment: This variant is classified as Benign based on local population frequency. This variant was detected in 30% of patients studied by a panel of primary immunodeficiencies. Number of patients: 29. Only high quality variants are reported.

NM_014314.4(RIGI):c.2482-71_2482-66dup

Gene: RIGI (RNA sensor RIG-I; minus strand). Cytogenetic location: 9p21.1.
Variant type: Duplication.
Coding change: c.2482-71_2482-66dup on transcript NM_014314.4 (MANE Select); 71 bases into the intron before coding-DNA position 2482 through 66 bases into the intron before coding-DNA position 2482, 6 bases duplicated (TTTTTT; older notation c.2482-71_2482-66dupTTTTTT).
Molecular consequence: intron variant.
Genome position (GRCh38, 1-based): chr9:32,457,484-32,457,489, AAAAAA duplicated on the plus strand (TTTTTT on the coding strand, the reverse complement: RIGI is on the minus strand); duplicating any 6 consecutive bases within chr9:32,457,484-32,457,497 gives the same sequence; the c. name uses the placement nearest the transcript's 3' end. VCF-style (leftmost placement, unchanged base first): chr9-32457483-T-TAAAAAA. GRCh37 (hg19) VCF-style: chr9-32457481-T-TAAAAAA.
Other names: c.1873-71_1873-66dup (NM_001385912.1); c.2467-71_2467-66dup (NM_001385913.1); c.2476-71_2476-66dup (NM_001385907.1); c.2311-71_2311-66dup (NM_001385909.1); c.2038-71_2038-66dup (NM_001385914.1); c.2041-71_2041-66dup (NM_001385910.1).
Identifiers: ClinVar variation 2637883 (VCV002637883.2), dbSNP rs377205390, ClinGen allele CA1122964823.
Genomic context (GRCh38, chr9:32,457,483, plus strand): 5'-AGATGAAGGGATGGAATAACACACAAAAGAGAACGTTAGAACCAGTACATAATTGTGATT[T>TAAAAAA]AAAAAAAAAAAAAAGAAAACCCCACAATAATCTGAGGCAAAGAACAGGTGGGTCTCACTT-3'